The following is an entry in ClinVar:

ClinVar aggregate classification (germline): Uncertain significance (1 of 4 stars; one submission).

Submission:

Labcorp Genetics (formerly Invitae), Labcorp
Classification: Uncertain significance. Last evaluated: 2024-03-14. Review status: criteria provided, single submitter. Criteria: Invitae Variant Classification Sherloc (09022015). Collection method: clinical testing. Allele origin: germline.
Comment: This sequence change replaces proline, which is neutral and non-polar, with threonine, which is neutral and polar, at codon 681 of the MSH3 protein (p.Pro681Thr). This variant is not present in population databases (gnomAD no frequency). This variant has not been reported in the literature in individuals affected with MSH3-related conditions. An algorithm developed to predict the effect of missense changes on protein structure and function (PolyPhen-2) suggests that this variant is likely to be disruptive. In summary, the available evidence is currently insufficient to determine the role of this variant in disease. Therefore, it has been classified as a Variant of Uncertain Significance.

NM_002439.5(MSH3):c.2041C>A (p.Pro681Thr)

Gene: MSH3 (mutS homolog 3; plus strand). Cytogenetic location: 5q14.1.
Variant type: single nucleotide variant.
Coding change: c.2041C>A on transcript NM_002439.5 (MANE Select); coding-DNA position 2041, C replaced by A.
Protein change: p.Pro681Thr; replaces proline 681 with threonine.
Molecular consequence: missense variant.
Genome position (GRCh38, 1-based): chr5:80,768,077, C>A. VCF-style: chr5-80768077-C-A. GRCh37 (hg19) VCF-style: chr5-80063896-C-A.
Other names: short protein forms P681T.
Identifiers: ClinVar variation 3645941 (VCV003645941.2).
Genomic context (GRCh38, chr5:80,768,077, plus strand): 5'-TCCCACATTCAGTCAGACTTGCTCCGGACCGTTATTTTAGAAATTCCTGAACTCCTCAGT[C>A]CAGTGGAGCATTACTTAAAGATACTCAATGAACAAGCTGCCAAGTAAGTACCAGACCCTG-3'
Protein context (NP_002430.3, residues 671-691): VILEIPELLS[Pro681Thr]VEHYLKILNE